The following is an entry in ClinVar:

NM_022089.4(ATP13A2):c.490C>T (p.Arg164Trp)

Gene: ATP13A2 (ATPase cation transporting 13A2; minus strand). Cytogenetic location: 1p36.13.
Variant type: single nucleotide variant.
Coding change: c.490C>T on transcript NM_022089.4 (MANE Select); coding-DNA position 490, C replaced by T.
Protein change: p.Arg164Trp; replaces arginine 164 with tryptophan.
Molecular consequence: missense variant.
Genome position (GRCh38, 1-based): chr1:17,004,399, G>A on the plus strand (C>T on the coding strand, the complement: ATP13A2 is on the minus strand). VCF-style: chr1-17004399-G-A. GRCh37 (hg19) VCF-style: chr1-17330894-G-A.
Other names: c.475C>T, p.Arg159Trp (NM_001141973.3, NM_001141974.3); c.490C>T (NM_022089.3); short protein forms R164W, R159W.
Identifiers: ClinVar variation 143196 (VCV000143196.11), dbSNP rs199624796, ClinGen allele CA270165.
Genomic context (GRCh38, chr1:17,004,399, plus strand): 5'-GGTAGAAGGCTTGCTGGGTCTCGATCCAGATATAGCGCTGGCCCTGGAAGAGGTAATACC[G>A]CAGCACCCGCTTCTGGGTGGGAGAGAGGAGAGGATGGGTTGGAAGCTGGCCCCGGCCCCA-3'
Protein context (NP_071372.1, residues 154-174): AVSVGQKRVL[Arg164Trp]YYLFQGQRYI

ClinVar aggregate classification (germline): Uncertain significance. Review status: criteria provided, multiple submitters, no conflicts (2 of 4 stars). 3 submissions from 3 submitters: Uncertain significance (2). 1 of the submissions does not count toward it. Last evaluated 2023-01-07.

Conditions:
Kufor-Rakeb syndrome (KRS). Also called: PARKINSON DISEASE 9, AUTOSOMAL RECESSIVE, JUVENILE-ONSET. Identifiers: Orphanet 306674, Orphanet 314632, MedGen C1847640, MONDO:0011706, OMIM 606693.
Autosomal recessive spastic paraplegia type 78. Identifiers: Orphanet 513436, MedGen C5567893, MONDO:0014975, OMIM 617225.

Allele frequency attached by ClinVar (database versions not stated): gnomAD exomes below 0.00001 and 0.00001; TOPMed 0.00001; gnomAD 0.00002; ExAC 0.00003.
gnomAD v4.1: 21 of 1,613,918 alleles (0.0013%); highest among the groups gnomAD compares: East Asian, 0.0022%; no homozygotes.

Submissions (3):

Women's Health and Genetics/Laboratory Corporation of America, LabCorp
Classification: Uncertain significance. Last evaluated: 2023-01-07. Review status: criteria provided, single submitter. Criteria: LabCorp Variant Classification Summary - May 2015. Collection method: clinical testing. Allele origin: germline.
Comment: Variant summary: ATP13A2 c.490C>T (p.Arg164Trp) results in a non-conservative amino acid change in the encoded protein sequence. Four of five in-silico tools predict a damaging effect of the variant on protein function. The variant allele was found at a frequency of 1.1e-05 in 282388 control chromosomes (gnomAD). The available data on variant occurrences in the general population are insufficient to allow any conclusion about variant significance. To our knowledge, no occurrence of c.490C>T in individuals affected with Neurodegeneration With Brain Iron Accumulation and no experimental evidence demonstrating its impact on protein function have been reported. One ClinVar submitter has assessed the variant since 2014: the variant was classified as uncertain significance. Based on the evidence outlined above, the variant was classified as uncertain significance.

Labcorp Genetics (formerly Invitae), Labcorp
Classification: Uncertain significance for Kufor-Rakeb syndrome; Autosomal recessive spastic paraplegia type 78. Last evaluated: 2022-03-16. Review status: criteria provided, single submitter. Criteria: Invitae Variant Classification Sherloc (09022015). Collection method: clinical testing. Allele origin: germline.
Comment: This sequence change replaces arginine, which is basic and polar, with tryptophan, which is neutral and slightly polar, at codon 164 of the ATP13A2 protein (p.Arg164Trp). The frequency data for this variant in the population databases is considered unreliable, as metrics indicate poor data quality at this position in the gnomAD database. This variant has not been reported in the literature in individuals affected with ATP13A2-related conditions. ClinVar contains an entry for this variant (Variation ID: 143196). Algorithms developed to predict the effect of missense changes on protein structure and function are either unavailable or do not agree on the potential impact of this missense change (SIFT: "Deleterious"; PolyPhen-2: "Probably Damaging"; Align-GVGD: "Class C0"). Algorithms developed to predict the effect of sequence changes on RNA splicing suggest that this variant may create or strengthen a splice site. In summary, the available evidence is currently insufficient to determine the role of this variant in disease. Therefore, it has been classified as a Variant of Uncertain Significance.

Undiagnosed Diseases Program Translational Research Laboratory, National Institutes of Health
Classification: Pathogenic for Parkinson disease 9. Review status: no assertion criteria provided. Collection method: not provided. Allele origin: biparental, inherited. Not counted in ClinVar's aggregate classification.
ClinVar note: Converted during submission from pathogenic to Pathogenic.